The following is an entry in ClinVar:

NM_001148.6(ANK2):c.1627G>A (p.Val543Met)

Gene: ANK2 (ankyrin 2; plus strand). Cytogenetic location: 4q26.
Variant type: single nucleotide variant.
Coding change: c.1627G>A on transcript NM_001148.6 (MANE Select); coding-DNA position 1627, G replaced by A.
Protein change: p.Val543Met; replaces valine 543 with methionine.
Molecular consequence: missense variant.
Genome position (GRCh38, 1-based): chr4:113,274,593, G>A. VCF-style: chr4-113274593-G-A. GRCh37 (hg19) VCF-style: chr4-114195749-G-A.
Other names: c.1564G>A, p.Val522Met (NM_001127493.3, NM_001354239.2, NM_001354243.2 and 14 more transcripts); c.1627G>A, p.Val543Met (NM_001354225.2, NM_001354228.2, NM_001354232.2 and 8 more transcripts); c.1672G>A, p.Val558Met (NM_001354230.2, NM_001354231.2, NM_001354237.2 and 5 more transcripts); c.1540G>A, p.Val514Met (NM_001354249.2, NM_001354260.2, NM_001354264.2 and 13 more transcripts); c.1585G>A, p.Val529Met (NM_001354261.2, NM_001386147.1, NM_001386160.1); c.1417G>A, p.Val473Met (NM_001354269.3); c.1429G>A, p.Val477Met (NM_001354273.2); c.1342G>A, p.Val448Met (NM_001354277.2, NM_001386157.1, NM_001386158.1); and 4 more; short protein forms V522M, V543M, V477M, V514M, V558M, V473M, V529M, V448M.
Identifiers: ClinVar variation 526909 (VCV000526909.11), dbSNP rs749734339, ClinGen allele CA3050321.
Genomic context (GRCh38, chr4:113,274,593, plus strand): 5'-CCAGATGCGGCCACTACAAATGGGTACACACCACTGCACATCTCTGCCCGGGAGGGCCAG[G>A]TGGATGTGGCATCAGTCCTATTGGAAGCAGGAGCAGCCCACTCCTTAGCTACCAAGGTAA-3'
Protein context (NP_001139.3, residues 533-553): PLHISAREGQ[Val543Met]DVASVLLEAG

ClinVar aggregate classification (germline): Uncertain significance. Review status: criteria provided, multiple submitters, no conflicts (2 of 4 stars). 3 submissions from 3 submitters: Uncertain significance (3). Last evaluated 2025-03-31.

Conditions:
Cardiac arrhythmia, ankyrin-B-related. Also called: ANKYRIN-B SYNDROME. Identifiers: Orphanet 101016, Orphanet 768, MedGen C1970119, MONDO:0010958, OMIM 600919.
Cardiovascular phenotype. Identifiers: MedGen CN230736.
Long QT syndrome (LQTS). Identifiers: MedGen C0023976, MeSH D008133, MONDO:0002442. Disease mechanism: loss of function. Inheritance: Various modes of inheritance.

Allele frequency attached by ClinVar (database versions not stated): ExAC 0.00002; gnomAD 0.00002; TOPMed 0.00004.
gnomAD v4.1: 10 of 1,614,106 alleles (0.00062%); highest among the groups gnomAD compares: East Asian, 0.022%; no homozygotes.

Submissions (3):

Labcorp Genetics (formerly Invitae), Labcorp
Classification: Uncertain significance for Long QT syndrome. Last evaluated: 2025-03-31. Review status: criteria provided, single submitter. Criteria: Invitae Variant Classification Sherloc (09022015). Collection method: clinical testing. Allele origin: germline.
Comment: This sequence change replaces valine, which is neutral and non-polar, with methionine, which is neutral and non-polar, at codon 543 of the ANK2 protein (p.Val543Met). This variant is present in population databases (rs749734339, gnomAD 0.04%). This missense change has been observed in individual(s) with autism spectrum disorder (PMID: 30564305). ClinVar contains an entry for this variant (Variation ID: 526909). Invitae Evidence Modeling of protein sequence and biophysical properties (such as structural, functional, and spatial information, amino acid conservation, physicochemical variation, residue mobility, and thermodynamic stability) has been performed for this missense variant. However, the output from this modeling did not meet the statistical confidence thresholds required to predict the impact of this variant on ANK2 protein function. In summary, the available evidence is currently insufficient to determine the role of this variant in disease. Therefore, it has been classified as a Variant of Uncertain Significance.

Ambry Genetics
Classification: Uncertain significance for Cardiovascular phenotype. Last evaluated: 2020-09-16. Review status: criteria provided, single submitter. Criteria: Ambry Variant Classification Scheme 2023. Collection method: clinical testing. Allele origin: germline.
Comment: The p.V543M variant (also known as c.1627G>A), located in coding exon 15 of the ANK2 gene, results from a G to A substitution at nucleotide position 1627. The valine at codon 543 is replaced by methionine, an amino acid with highly similar properties. This amino acid position is well conserved in available vertebrate species. In addition, this alteration is predicted to be tolerated by in silico analysis. Since supporting evidence is limited at this time, the clinical significance of this alteration remains unclear.

Center for Genomics, Ann and Robert H. Lurie Children's Hospital of Chicago
Classification: Uncertain significance for Cardiac arrhythmia, ankyrin-B-related. Review status: criteria provided, single submitter. Criteria: ACMG Guidelines, 2015. Collection method: clinical testing. Allele origin: germline.
Comment: ANK2 NM_001148.4 exon 15 p.Val543Met (c.1627G>A): This variant has not been reported in the literature and is present in 0.04% (9/19946) of East Asian alleles in the Genome Aggregation Database. This variant is present in ClinVar (Variation ID:526909). Evolutionary conservation and computational predictive tools for this variant are unclear. In summary, data on this variant is insufficient for disease classification. Therefore, the clinical significance of this variant is uncertain.

Literature cited by the submitters: PubMed 30564305 (cited by Labcorp Genetics (formerly Invitae), Labcorp).